The following is an entry in ClinVar:

Conditions:
Arteriohepatic dysplasia. Also called: Alagille Syndrome. Identifiers: Orphanet 52, MedGen C0085280, MeSH D016738, MONDO:0007318.

Submission:

Gilbert/Spinner Lab, Children's Hospital of Philadelphia
No classification provided (evidence only). Condition: Alagille syndrome. Review status: no classification provided. Collection method: research. Allele origin: not applicable. Functional consequence: functionally_abnormal.
ClinVar note: "not provided" was previously submitted as the classification for the variant. However, the classification appeared to be based only on an observation of functional data so it was converted to no classification on 2025-07-30.

NM_000214.3(JAG1):c.524G>A (p.Gly175Asp)

Gene: JAG1 (jagged canonical Notch ligand 1; minus strand). Cytogenetic location: 20p12.2.
Variant type: single nucleotide variant.
Coding change: c.524G>A on transcript NM_000214.3 (MANE Select); coding-DNA position 524, G replaced by A.
Protein change: p.Gly175Asp; replaces glycine 175 with aspartic acid.
Molecular consequence: missense variant.
Genome position (GRCh38, 1-based): chr20:10,658,638, C>T on the plus strand (G>A on the coding strand, the complement: JAG1 is on the minus strand). VCF-style: chr20-10658638-C-T. GRCh37 (hg19) VCF-style: chr20-10639286-C-T.
Other names: short protein forms G175D.
Identifiers: ClinVar variation 3573321 (VCV003573321.2).
Genomic context (GRCh38, chr20:10,658,638, plus strand): 5'-CCAAAGCCATAGTAGTAGTCATCACAGGTCACGCGGATCTGATACTCAAAGTGGGCAACG[C>T]CCGTGTTCTGCTTCAGCGTCTGCCACTGCCGGCTGGGGTTGATCATGCCCGAGTGAGAAG-3'
Protein context (NP_000205.1, residues 165-185): RQWQTLKQNT[Gly175Asp]VAHFEYQIRV